The following is an entry in ClinVar:

ClinVar aggregate classification (germline): Benign/Likely benign. Review status: criteria provided, multiple submitters, no conflicts (2 of 4 stars). 4 submissions from 3 submitters: Benign (2); Likely benign (2). Last evaluated 2018-06-19.

Conditions:
Congenital myasthenic syndrome 11. Also called: MYASTHENIC SYNDROME, CONGENITAL, Ie; Myasthenic syndrome, congenital, 11, associated with acetylcholine receptor deficiency. Identifiers: Orphanet 590, MedGen C4225367, MONDO:0014588, OMIM 616326.
Fetal akinesia deformation sequence 1 (FADS1). Also called: Pena-Shokeir syndrome type I; Fetal akinesia sequence. Identifiers: Orphanet 994, MedGen C1276035, MONDO:0100101, OMIM 208150, HP:0001989.

Allele frequency attached by ClinVar (database versions not stated): 1000 Genomes Project 0.01637; TOPMed 0.01754; gnomAD 0.01762 and 0.01891; ExAC 0.01301; 1000 Genomes Project 30x 0.01624.

Submissions (4):

GeneDx
Classification: Likely benign. Last evaluated: 2018-06-19. Review status: criteria provided, single submitter. Criteria: GeneDx Variant Classification Process June 2021. Collection method: clinical testing. Allele origin: germline. Affected: yes.

Illumina Laboratory Services, Illumina
Classification: Benign for Fetal akinesia deformation sequence 1. Last evaluated: 2018-01-12. Review status: criteria provided, single submitter. Criteria: ICSL Variant Classification Criteria 13 December 2019. Collection method: clinical testing. Allele origin: germline.
Comment: This variant was observed in the ICSL laboratory as part of a predisposition screen in an ostensibly healthy population. It had not been previously curated by ICSL or reported in the Human Gene Mutation Database (HGMD: prior to June 1st, 2018), and was therefore a candidate for classification through an automated scoring system. Utilizing variant allele frequency, disease prevalence and penetrance estimates, and inheritance mode, an automated score was calculated to assess if this variant is too frequent to cause the disease. Based on the score and internal cut-off values, a variant classified as benign is not then subjected to further curation. The score for this variant resulted in a classification of benign for this disease.

Illumina Laboratory Services, Illumina
Classification: Benign for Congenital myasthenic syndrome 11. Last evaluated: 2018-01-12. Review status: criteria provided, single submitter. Criteria: ICSL Variant Classification Criteria 13 December 2019. Collection method: clinical testing. Allele origin: germline.
Comment: the same text as in the submission from Illumina Laboratory Services, Illumina above.

Breakthrough Genomics
Classification: Likely benign. Review status: criteria provided, single submitter. Criteria: ACMG Guidelines, 2015. Collection method: not provided. Allele origin: germline. Inheritance: Autosomal recessive inheritance. Affected: yes.

NM_005055.5(RAPSN):c.*207C>A

Gene: RAPSN (receptor associated protein of the synapse; minus strand). Cytogenetic location: 11p11.2.
Variant type: single nucleotide variant.
Coding change: c.*207C>A on transcript NM_005055.5 (MANE Select); 207 bases downstream of the stop codon, C replaced by A.
Molecular consequence: 3 prime UTR variant.
Genome position (GRCh38, 1-based): chr11:47,437,768, G>T on the plus strand (C>A on the coding strand, the complement: RAPSN is on the minus strand). VCF-style: chr11-47437768-G-T. GRCh37 (hg19) VCF-style: chr11-47459319-G-T.
Other names: c.*207C>A (NM_032645.5).
Identifiers: ClinVar variation 304966 (VCV000304966.9), dbSNP rs73459751, ClinGen allele CA5976437.
Genomic context (GRCh38, chr11:47,437,768, plus strand): 5'-ACTCCCACTCTCCCCACTCCTCAGACCTTGGGCATGGAAAGTCGGAATCCCTGGGACCAG[G>T]TACAAACAGTTTATTTTTCTATAAAGAGCAAAGTACAAAGAGGCAGGGAGGGGAGCTGGG-3'